The following is an entry in ClinVar:

NM_001375808.2(LPIN2):c.*2946G>A

Gene: LPIN2 (lipin 2; minus strand). Cytogenetic location: 18p11.31.
Variant type: single nucleotide variant.
Coding change: c.*2946G>A on transcript NM_001375808.2 (MANE Select); 2946 bases downstream of the stop codon, G replaced by A.
Molecular consequence: 3 prime UTR variant.
Genome position (GRCh38, 1-based): chr18:2,917,347, C>T on the plus strand (G>A on the coding strand, the complement: LPIN2 is on the minus strand). VCF-style: chr18-2917347-C-T. GRCh37 (hg19) VCF-style: chr18-2917345-C-T.
Other names: c.*2946G>A (NM_001375809.1, NM_014646.2).
Identifiers: ClinVar variation 326549 (VCV000326549.5), dbSNP rs4781, ClinGen allele CA10647343.

ClinVar aggregate classification (germline): Benign (1 of 4 stars; one submission).

Conditions:
Majeed syndrome (MJDS). Also called: CHRONIC RECURRENT MULTIFOCAL OSTEOMYELITIS 1, WITH CONGENITAL DYSERYTHROPOIETIC ANEMIA, WITH OR WITHOUT NEUTROPHILIC DERMATOSIS; LPIN2-Related Majeed Syndrome. Identifiers: Orphanet 77297, MedGen C1864997, MONDO:0012316, OMIM 609628.

Allele frequency attached by ClinVar (database versions not stated): gnomAD 0.03480; 1000 Genomes Project 0.03854; 1000 Genomes Project 30x 0.04122; TOPMed 0.04146.

Submission:

Illumina Laboratory Services, Illumina
Classification: Benign for Majeed syndrome. Last evaluated: 2018-01-12. Review status: criteria provided, single submitter. Criteria: ICSL Variant Classification Criteria 13 December 2019. Collection method: clinical testing. Allele origin: germline.
Comment: This variant was observed in the ICSL laboratory as part of a predisposition screen in an ostensibly healthy population. It had not been previously curated by ICSL or reported in the Human Gene Mutation Database (HGMD: prior to June 1st, 2018), and was therefore a candidate for classification through an automated scoring system. Utilizing variant allele frequency, disease prevalence and penetrance estimates, and inheritance mode, an automated score was calculated to assess if this variant is too frequent to cause the disease. Based on the score and internal cut-off values, a variant classified as benign is not then subjected to further curation. The score for this variant resulted in a classification of benign for this disease.